The following is an entry in ClinVar:

ClinVar aggregate classification (germline): Benign/Likely benign. Review status: criteria provided, multiple submitters, no conflicts (2 of 4 stars). 19 submissions from 19 submitters: Benign (5); Likely benign (9). 5 of the submissions do not count toward it. Last evaluated 2026-07-01.

Conditions:
Hereditary cancer-predisposing syndrome. Also called: Neoplastic Syndromes, Hereditary; Tumor predisposition; Hereditary Cancer Syndrome; Hereditary neoplastic syndrome. Identifiers: Orphanet 140162, MedGen C0027672, MeSH D009386, MONDO:0015356.
Carcinoma of colon (CRC). Also called: Colonic carcinoma; Colon carcinoma. Identifiers: MedGen C0699790, MONDO:0002032.
Colorectal cancer, susceptibility to, 12 (CRCS12). Also called: COLORECTAL CANCER, SUSCEPTIBILITY TO, ON CHROMOSOME 12q24. Identifiers: Orphanet 220460, MedGen C3554460, MONDO:0014038, OMIM 615083.

Allele frequency attached by ClinVar (database versions not stated): 1000 Genomes Project 30x 0.00078; 1000 Genomes Project 0.00080; gnomAD 0.00127 and 0.00167; TOPMed 0.00154; gnomAD exomes 0.00178; ESP Exome Variant Server 0.00185; ExAC 0.00245.
gnomAD v4.1: 3,151 of 1,613,686 alleles (0.2%); highest among the groups gnomAD compares: Non-Finnish European, 0.23%; 5 homozygotes.

Submissions (19):

CeGaT Center for Human Genetics Tuebingen
Classification: Likely benign. Last evaluated: 2026-07-01. Review status: criteria provided, single submitter. Criteria: CeGaT Center For Human Genetics Tuebingen Variant Classification Criteria Version 2. Collection method: clinical testing. Allele origin: germline. Affected: yes. Observed: 17 variant alleles.
Comment: POLE: BP4, BP7

Labcorp Genetics (formerly Invitae), Labcorp
Classification: Benign. Last evaluated: 2026-02-03. Review status: criteria provided, single submitter. Criteria: Invitae Variant Classification Sherloc (09022015). Collection method: clinical testing. Allele origin: germline.

Center for Genomic Medicine, Rigshospitalet, Copenhagen University Hospital
Classification: Likely benign. Last evaluated: 2025-03-04. Review status: criteria provided, single submitter. Criteria: ACMG Guidelines, 2015. Collection method: clinical testing. Allele origin: germline.

Mayo Clinic Laboratories, Mayo Clinic
Classification: Likely benign. Last evaluated: 2024-12-24. Review status: criteria provided, single submitter. Criteria: ACMG Guidelines, 2015. Collection method: clinical testing. Allele origin: germline. Observed: 4 variant alleles.
Comment: BS1, BP4, BP7

Blueprint Genetics
Classification: Likely benign. Last evaluated: 2024-11-18. Review status: criteria provided, single submitter. Criteria: ACMG Guidelines, 2015. Collection method: clinical testing. Allele origin: germline.

ARUP Laboratories, Molecular Genetics and Genomics, ARUP Laboratories
Classification: Likely benign. Last evaluated: 2023-10-20. Review status: criteria provided, single submitter. Criteria: ARUP Molecular Germline Variant Investigation Process 2024. Collection method: clinical testing. Allele origin: germline.

KCCC/NGS Laboratory, Kuwait Cancer Control Center
Classification: Benign for Colorectal cancer, susceptibility to, 12. Last evaluated: 2023-07-07. Review status: criteria provided, single submitter. Criteria: ACMG Guidelines, 2015. Collection method: clinical testing. Allele origin: germline. Affected: yes.

GeneDx
Classification: Likely benign. Last evaluated: 2021-09-07. Review status: criteria provided, single submitter. Criteria: GeneDx Variant Classification Process June 2021. Collection method: clinical testing. Allele origin: germline. Affected: yes.

Genetic Services Laboratory, University of Chicago
Classification: Likely benign. Last evaluated: 2021-01-07. Review status: criteria provided, single submitter. Criteria: ACMG Guidelines, 2015. Collection method: clinical testing. Allele origin: germline. Affected: no.

Sema4
Classification: Benign for Hereditary cancer-predisposing syndrome. Last evaluated: 2020-07-08. Review status: criteria provided, single submitter. Criteria: Sema4 Curation Guidelines. Collection method: curation. Allele origin: germline.

Quest Diagnostics Nichols Institute San Juan Capistrano
Classification: Benign. Last evaluated: 2018-06-03. Review status: criteria provided, single submitter. Criteria: Quest Diagnostics criteria. Collection method: clinical testing. Allele origin: unknown.

PreventionGenetics, part of Exact Sciences
Classification: Likely benign. Last evaluated: 2017-06-27. Review status: criteria provided, single submitter. Criteria: ACMG Guidelines, 2015. Collection method: clinical testing. Allele origin: germline.

Women's Health and Genetics/Laboratory Corporation of America, LabCorp
Classification: Benign. Last evaluated: 2016-08-17. Review status: criteria provided, single submitter. Criteria: LabCorp Variant Classification Summary - May 2015. Collection method: clinical testing. Allele origin: germline.
Comment: Variant summary: The POLE c.6453C>T (p.Tyr2151Tyr) variant involves the alteration of a non-conserved nucleotide, resulting in a synonymous change. One in silico tool predicts a damaging outcome for this variant. 5/5 splice prediction tools predict no significant impact on normal splicing. ESE finder predicts that this variant may affect multiple ESE sites. However, these predictions have yet to be confirmed by functional studies. This variant was found in 268/109324 control chromosomes at a frequency of 0.0024514, which is approximately 173 times the estimated maximal expected allele frequency of a pathogenic POLE variant (0.0000142), suggesting this variant is likely a benign polymorphism. In addition, one clinical diagnostic laboratory classified this variant as benign. The variant of interest has not, to our knowledge, been reported in affected individuals via publications and/or reputable databases/clinical diagnostic laboratories; nor evaluated for functional impact by in vivo/vitro studies. Taken together, this variant is classified as benign.

Ambry Genetics
Classification: Likely benign for Hereditary cancer-predisposing syndrome. Last evaluated: 2015-06-16. Review status: criteria provided, single submitter. Criteria: Ambry Variant Classification Scheme 2023. Collection method: clinical testing. Allele origin: germline.

True Health Diagnostics
Classification: Likely benign for Hereditary cancer-predisposing syndrome. Last evaluated: 2018-05-21. Review status: no assertion criteria provided. Collection method: clinical testing. Allele origin: germline. Not counted in ClinVar's aggregate classification.

Clinical Genetics DNA and cytogenetics Diagnostics Lab, Erasmus MC, Erasmus Medical Center
Classification: Likely benign. Review status: no assertion criteria provided. Collection method: clinical testing. Allele origin: germline. Affected: yes. Study: VKGL Data-share Consensus. Not counted in ClinVar's aggregate classification.

Clinical Genetics, Academic Medical Center
Classification: Benign. Review status: no assertion criteria provided. Collection method: clinical testing. Allele origin: germline. Affected: yes. Study: VKGL Data-share Consensus. Not counted in ClinVar's aggregate classification.

Department of Pathology and Laboratory Medicine, Sinai Health System
Classification: Likely benign for Carcinoma of colon. Review status: no assertion criteria provided. Collection method: clinical testing. Allele origin: unknown. Affected: yes. Study: The Canadian Open Genetics Repository (COGR). Not counted in ClinVar's aggregate classification.
Comment: The POLE p.Tyr2151= variant was not identified in the literature. The variant was identified in dbSNP (ID: rs116076060) as "With Likely benign allele", and in ClinVar (classified as benign by Invitae and Integrated Genetics/Laboratory Corporation of America; as likely benign by GeneDx, Ambry Genetics and three other submitters). The variant was identified in control databases in 481 of 276354 chromosomes (1 homozygous) at a frequency of 0.002 increasing the likelihood this could be a low frequency benign variant (Genome Aggregation Database Feb 27, 2017). The variant was observed in the following populations: African in 9 of 23940 chromosomes (freq: 0.0004), Other in 11 of 6448 chromosomes (freq: 0.002), Latino in 17 of 34362 chromosomes (freq: 0.0005), European in 372 of 126202 chromosomes (freq: 0.003), Finnish in 72 of 25708 chromosomes (freq: 0.003), while the variant was not observed in the Ashkenazi Jewish, East Asian, and South Asian populations. The p.Tyr2151= variant is not expected to have clinical significance because it does not result in a change of amino acid and is not located in a known consensus splice site. In addition, in silico or computational prediction software programs (SpliceSiteFinder, MaxEntScan, NNSPLICE, GeneSplicer) do not predict a difference in splicing. In summary, based on the above information the clinical significance of this variant cannot be determined with certainty at this time although we would lean towards a more benign role for this variant. This variant is classified as likely benign.

Genome Diagnostics Laboratory, Amsterdam University Medical Center
Classification: Likely benign. Review status: no assertion criteria provided. Collection method: clinical testing. Allele origin: germline. Affected: yes. Study: VKGL Data-share Consensus. Not counted in ClinVar's aggregate classification.

NM_006231.4(POLE):c.6453C>T (p.Tyr2151=)

Gene: POLE (DNA polymerase epsilon, catalytic subunit; minus strand). Cytogenetic location: 12q24.33.
Variant type: single nucleotide variant.
Coding change: c.6453C>T on transcript NM_006231.4 (MANE Select); coding-DNA position 6453, C replaced by T.
Protein change: p.Tyr2151=; no amino-acid change (tyrosine 2151 retained).
Molecular consequence: synonymous variant.
Genome position (GRCh38, 1-based): chr12:132,626,195, G>A on the plus strand (C>T on the coding strand, the complement: POLE is on the minus strand). VCF-style: chr12-132626195-G-A. GRCh37 (hg19) VCF-style: chr12-133202781-G-A.
Other names: p.Tyr2151=.
Identifiers: ClinVar variation 221143 (VCV000221143.77), dbSNP rs116076060, ClinGen allele CA348425.